The following is an entry in ClinVar:

ClinVar aggregate classification (germline): Uncertain significance. Review status: criteria provided, multiple submitters, no conflicts (2 of 4 stars). 2 submissions from 2 submitters: Uncertain significance (2). Last evaluated 2023-03-25.

Allele frequency attached by ClinVar (database versions not stated): ExAC 0.00011; ESP Exome Variant Server 0.00031; gnomAD 0.00033; TOPMed 0.00034.
gnomAD v4.1: 161 of 1,614,008 alleles (0.01%); highest among the groups gnomAD compares: African/African-American, 0.1%; no homozygotes.

Submissions (2):

GeneDx
Classification: Uncertain significance. Last evaluated: 2023-03-25. Review status: criteria provided, single submitter. Criteria: GeneDx Variant Classification Process June 2021. Collection method: clinical testing. Allele origin: germline. Affected: yes.
Comment: In silico analysis supports that this missense variant has a deleterious effect on protein structure/function; Has not been previously published as pathogenic or benign to our knowledge

Labcorp Genetics (formerly Invitae), Labcorp
Classification: Uncertain significance. Last evaluated: 2022-08-03. Review status: criteria provided, single submitter. Criteria: Invitae Variant Classification Sherloc (09022015). Collection method: clinical testing. Allele origin: germline.
Comment: This sequence change replaces arginine, which is basic and polar, with tryptophan, which is neutral and slightly polar, at codon 177 of the POC1A protein (p.Arg177Trp). This variant is present in population databases (rs147071412, gnomAD 0.06%). This variant has not been reported in the literature in individuals affected with POC1A-related conditions. Algorithms developed to predict the effect of missense changes on protein structure and function are either unavailable or do not agree on the potential impact of this missense change (SIFT: "Not Available"; PolyPhen-2: "Probably Damaging"; Align-GVGD: "Not Available"). In summary, the available evidence is currently insufficient to determine the role of this variant in disease. Therefore, it has been classified as a Variant of Uncertain Significance.

NM_015426.5(POC1A):c.529C>T (p.Arg177Trp)

Gene: POC1A (POC1 centriolar protein A; minus strand). Cytogenetic location: 3p21.2.
Variant type: single nucleotide variant.
Coding change: c.529C>T on transcript NM_015426.5 (MANE Select); coding-DNA position 529, C replaced by T.
Protein change: p.Arg177Trp; replaces arginine 177 with tryptophan.
Molecular consequence: missense variant.
Genome position (GRCh38, 1-based): chr3:52,147,022, G>A on the plus strand (C>T on the coding strand, the complement: POC1A is on the minus strand). VCF-style: chr3-52147022-G-A. GRCh37 (hg19) VCF-style: chr3-52181038-G-A.
Other names: c.529C>T, p.Arg177Trp (NM_001161580.2); c.415C>T, p.Arg139Trp (NM_001161581.2); c.529C>T (NM_015426.4); short protein forms R177W, R139W.
Identifiers: ClinVar variation 2183488 (VCV002183488.2), dbSNP rs147071412, ClinGen allele CA2429602.